The following is an entry in ClinVar:

ClinVar aggregate classification (germline): Uncertain significance (1 of 4 stars; one submission).

Conditions:
PDGFB-related disorder. Also called: PDGFB-related condition.

Submission:

PreventionGenetics, part of Exact Sciences
Classification: Uncertain significance for PDGFB-related condition. Last evaluated: 2023-05-05. Review status: criteria provided, single submitter. Criteria: ACMG Guidelines, 2015. Collection method: clinical testing. Allele origin: germline.
Comment: The PDGFB c.64-6C>A variant is predicted to interfere with splicing. This variant is predicted to interfere with splicing based on splicing prediction programs (Alamut Visual Plus v.1.6.1). However, these predictions are not equivalent to functional evidence. To our knowledge, this variant has not been reported in the literature or in a large population database, indicating this variant is rare. Of note, an adjacent intronic variant (c.64-3C>G) has been reported in a patient with brain calcification (Nicolas et al. 2015. PubMed ID: 26129893). At this time, the clinical significance of the c.64-6C>A variant is uncertain due to the absence of conclusive functional and genetic evidence.

NM_002608.4(PDGFB):c.64-6C>A

Gene: PDGFB (platelet derived growth factor subunit B; minus strand). Cytogenetic location: 22q13.1.
Variant type: single nucleotide variant.
Coding change: c.64-6C>A on transcript NM_002608.4 (MANE Select); 6 bases into the intron before coding-DNA position 64, C replaced by A.
Molecular consequence: intron variant.
Genome position (GRCh38, 1-based): chr22:39,235,880, G>T on the plus strand (C>A on the coding strand, the complement: PDGFB is on the minus strand). VCF-style: chr22-39235880-G-T. GRCh37 (hg19) VCF-style: chr22-39631885-G-T.
Other names: c.19-6C>A (NM_033016.3).
Identifiers: ClinVar variation 2633031 (VCV002633031.1), dbSNP rs768287604, ClinGen allele CA2695200119.